The following is an entry in ClinVar:

NM_000545.8(HNF1A):c.872del (p.Pro291fs)

Gene: HNF1A (HNF1 homeobox A; plus strand). Cytogenetic location: 12q24.31.
Variant type: Deletion.
Coding change: c.872del on transcript NM_000545.8 (MANE Select); coding-DNA position 872, one base deleted (C; older notation c.872delC).
Protein change: p.Pro291fs; shifts the reading frame from proline 291.
Molecular consequence: frameshift variant.
Genome position (GRCh38, 1-based): chr12:120,994,322, C deleted; the last of 8 consecutive C bases (chr12:120,994,315-120,994,322); deleting any one gives the same sequence. VCF-style (leftmost placement, unchanged base first): chr12-120994314-GC-G. GRCh37 (hg19) VCF-style: chr12-121432117-GC-G.
Other names: NM_000545.8(HNF1A):c.872del; p.Pro291fs; c.872del, p.Pro291fs (NM_001306179.2); c.872delC (NM_000545.5, NM_000545.8); short protein forms P291fs.
Identifiers: ClinVar variation 805637 (VCV000805637.35), dbSNP rs587776825, ClinGen allele CA6831848.

ClinVar aggregate classification (germline): Pathogenic. Review status: reviewed by expert panel (3 of 4 stars). 9 submissions from 9 submitters: Pathogenic (1). 8 of the submissions do not count toward it. Last evaluated 2021-12-31.

Conditions:
HNF1A-related disorders.
Maturity-onset diabetes of the young (MODY). Also called: Maturity onset diabetes mellitus in young. Identifiers: Orphanet 552, MedGen C0342276, MONDO:0018911, HP:0004904.
Maturity-onset diabetes of the young type 3. Also called: MODY type 3; MODY, type III. Identifiers: Orphanet 552, MedGen C1838100, MeSH C563933, MONDO:0010894, OMIM 600496. Disease mechanism: loss of function.
Monogenic diabetes. Identifiers: Orphanet 183625, MedGen C3888631, MONDO:0015967.

Submissions (9):

ClinGen Monogenic Diabetes Variant Curation Expert Panel
Classification: Pathogenic for Monogenic diabetes. Last evaluated: 2021-12-31. Review status: reviewed by expert panel. Criteria: ClinGen Diabetes ACMG Specifications v1 1. Collection method: curation. Allele origin: germline. Inheritance: Autosomal dominant inheritance.
Comment: The c.872del variant in the HNF1 homeobox A gene, HNF1A, causes a frameshift in the protein at codon 291 (NM_000545.8), adding 51 novel amino acids before encountering a stop codon (p.(Pro291GlnfsTer51). This variant, located in biologically-relevant exon 4 of 10, is predicted to lead to nonsense mediated decay in a gene in which loss-of-function is an established disease mechanism (PVS1; PMID:23348805). Additionally, this variant segregated with diabetes, with at least 30 informative meioses in multiple families with MODY (PP1_Strong; internal lab contributors). Additionally, this variant was identified in an individual with a clinical history highly specific for HNF1A-MODY (MODY probability calculator result >50%, negative genetic testing for HNF4A) (PP4; internal lab contributors). In summary, c.872del meets the criteria to be classified as pathogenic for monogenic diabetes. ACMG/AMP criteria applied, as specified by the ClinGen MDEP (specification version 1.1, approved 6/4/2021): PVS1, PP1_Strong, PP4

Labcorp Genetics (formerly Invitae), Labcorp
Classification: Pathogenic. Last evaluated: 2025-09-29. Review status: criteria provided, single submitter. Criteria: Invitae Variant Classification Sherloc (09022015). Collection method: clinical testing. Allele origin: germline. Not counted in ClinVar's aggregate classification.
Comment: This sequence change creates a premature translational stop signal (p.Pro291Glnfs*51) in the HNF1A gene. It is expected to result in an absent or disrupted protein product. Loss-of-function variants in HNF1A are known to be pathogenic (PMID: 15928245, 18003757). The frequency data for this variant in the population databases is considered unreliable, as metrics indicate poor data quality at this position in the gnomAD database. This premature translational stop signal has been observed in individual(s) with maturity-onset diabetes of the young (PMID: 9097962, 11719843). It has also been observed to segregate with disease in related individuals. Invitae Evidence Modeling of clinical and family history, age, sex, and reported ancestry of multiple individuals with this HNF1A variant has been performed. This variant is expected to be pathogenic with a positive predictive value of at least 99%. This is a validated machine learning model that incorporates the clinical features of 42,750 individuals referred to our laboratory for HNF1A testing. ClinVar contains an entry for this variant (Variation ID: 805637). For these reasons, this variant has been classified as Pathogenic.

Variantyx, Inc.
Classification: Pathogenic for Maturity-onset diabetes of the young type 3. Last evaluated: 2025-09-10. Review status: criteria provided, single submitter. Criteria: Variantyx Assertion Criteria 2022. Collection method: clinical testing. Allele origin: germline. Inheritance: Autosomal dominant inheritance. Affected: yes. Not counted in ClinVar's aggregate classification.
Comment: This is a frameshift variant in the HNF1A gene (OMIM: 142410). Pathogenic variants in this gene have been associated with autosomal dominant MODY, type III. This variant introduces a premature termination codon in exon 4 out of 10 and is expected to result in loss of function, which is a known disease mechanism for HNF1A in this disorder (PMID: 11668618, 23348805) (PVS1). This variant has been observed to segregate with disease in at least 20 individuals from 2 families (PMID: 11719843, 9097962) (PP1_Moderate) and it has a 0.0023% maximum allele frequency in non-founder control populations (PM2). Other reputable laboratories have reported this variant as pathogenic or likely pathogenic, and this classification has been validated by an expert panel in ClinVar (PP5). Based on the current evidence, this variant is classified as pathogenic for autosomal dominant MODY, type III.

Women's Health and Genetics/Laboratory Corporation of America, LabCorp
Classification: Pathogenic for Maturity-onset diabetes of the young. Last evaluated: 2025-04-16. Review status: criteria provided, single submitter. Criteria: LabCorp Variant Classification Summary - May 2015. Collection method: clinical testing. Allele origin: germline. Not counted in ClinVar's aggregate classification.
Comment: Variant summary: HNF1A c.872delC (p.Pro291GlnfsX51) results in a premature termination codon, predicted to cause absence of the protein due to nonsense mediated decay, which is a commonly known mechanisms for disease. The frequency data for this variant in gnomAD is considered unreliable, as metrics indicate poor data quality at this position. c.872delC has been observed in multiple individuals affected with Maturity Onset Diabetes Of The Young (example, Kristinsson_2001). These data indicate that the variant is very likely to be associated with disease. To our knowledge, no experimental evidence demonstrating an impact on protein function has been reported. The following publication has been ascertained in the context of this evaluation (PMID: 11719843). ClinVar contains an entry for this variant (Variation ID: 805637). Based on the evidence outlined above, the variant was classified as pathogenic.

Blueprint Genetics
Classification: Pathogenic for HNF1A-related disorders. Last evaluated: 2024-02-21. Review status: criteria provided, single submitter. Criteria: ACMG Guidelines, 2015. Collection method: clinical testing. Allele origin: germline. Affected: yes. Observed: 5 variant alleles. Not counted in ClinVar's aggregate classification.

ARUP Laboratories, Molecular Genetics and Genomics, ARUP Laboratories
Classification: Pathogenic. Last evaluated: 2022-03-10. Review status: criteria provided, single submitter. Criteria: ARUP Molecular Germline Variant Investigation Process 2021. Collection method: clinical testing. Allele origin: germline. Not counted in ClinVar's aggregate classification.
Comment: The HNF1A c.872delC; p.Pro291GlnfsTer51 variant (rs587776825), also published as c.865delC, is reported in the literature in several individuals with monogenic diabetes and segregates with disease in at least one large family (Benonisdottir 2019, Kristinsson 2001, Li 2020, Sturiale 2021, Tung 2018). The variant is reported as pathogenic by an FDA-recognized expert panel (ClinVar Variation ID: 805637) and is listed in the general population with an overall allele frequency of 0.006% (14/228,182 alleles) in the Genome Aggregation Database. This variant causes a frameshift by deleting a single nucleotide, so it is predicted to result in a truncated protein or mRNA subject to nonsense-mediated decay in a gene in which loss-of-function is an established disease mechanism (Colclough 2013). Based on available information, this variant is classified as pathogenic. References: Literature cited: Benonisdottir S et al. Sequence variants associating with urinary biomarkers. Hum Mol Genet. 2019 Apr 1;28(7):1199-1211. PMID: 30476138. Colclough K et al. Mutations in the genes encoding the transcription factors hepatocyte nuclear factor 1 alpha and 4 alpha in maturity-onset diabetes of the young and hyperinsulinemic hypoglycemia. Hum Mutat. 2013 May;34(5):669-85. PMID: 23348805. Kristinsson SY et al. MODY in Iceland is associated with mutations in HNF-1alpha and a novel mutation in NeuroD1. Diabetologia. 2001 Nov;44(11):2098-103. PMID: 11719843. Li M et al. High Prevalence of a Monogenic Cause in Han Chinese Diagnosed With Type 1 Diabetes, Partly Driven by Nonsyndromic Recessive WFS1 Mutations. Diabetes. 2020 Jan;69(1):121-126. PMID: 31658956. Sturiale L et al. Aberrant sialylation in a patient with a HNF1alpha variant and liver adenomatosis. iScience. 2021 Mar 18;24(4):102323. PMID: 33889819. Tung JY et al. Clinical heterogeneity of hyperinsulinism due to HNF1A and HNF4A mutations. Pediatr Diabetes. 2018 Aug;19(5):910-916. PMID: 29493090.

GeneDx
Classification: Pathogenic. Last evaluated: 2021-06-23. Review status: criteria provided, single submitter. Criteria: GeneDx Variant Classification Process June 2021. Collection method: clinical testing. Allele origin: germline. Affected: yes. Not counted in ClinVar's aggregate classification.
Comment: Frameshift variant predicted to result in protein truncation or nonsense mediated decay in a gene for which loss-of-function is a known mechanism of disease; This variant is associated with the following publications: (PMID: 31447099, 31658956, 30476138, 30293189, 9097962, 26287533, 25414397, 25555642, 30455330, 22432108, 29493090, 11719843, 23348805)

Athena Diagnostics
Classification: Pathogenic. Last evaluated: 2020-08-06. Review status: criteria provided, single submitter. Criteria: Athena Diagnostics Criteria. Collection method: clinical testing. Allele origin: unknown. Not counted in ClinVar's aggregate classification.
Comment: The variant results in a shift of the reading frame, and is therefore predicted to result in the loss of a functional protein. Found in at least one patient with expected phenotype for this gene, and not found in general population data.

deCODE genetics, Amgen
Classification: Pathogenic for Maturity-onset diabetes of the young type 3. Last evaluated: 2023-07-21. Review status: no assertion criteria provided. Collection method: research. Allele origin: germline. Affected: yes. Observed: 55 variant alleles. Not counted in ClinVar's aggregate classification.
Comment: The variant NM_000545.8:c.872del (chr12:120994314) in HNF1A was detected in 10 heterozygotes out of 58K WGS Icelanders (MAF= 0,009%). Following imputation in a set of 166K Icelanders (55 imputed heterozygotes) we observed an association with diabetes mellitus using 3676 cases and 332804 controls (OR= 44.86, P= 9.00e-17), non-insulin dependent diabetes mellitus using 5864 cases and 298172 controls (OR= 35.60, P= 6.24e-15), and Type 1 diabetes using 2460 cases and 338479 controls (OR= 19.45, P= 4.46e-09). This variant has been reported in ClinVar previously as pathogenic. Based on ACMG criteria (PVS1, PS4, PP5) this variant classifies as pathogenic.

Literature cited by the submitters: PubMed 15928245 (cited by Labcorp Genetics (formerly Invitae), Labcorp); PubMed 18003757 (cited by Labcorp Genetics (formerly Invitae), Labcorp); PubMed 9097962 (cited by 3 submitters); PubMed 11719843 (cited by 4 submitters); PubMed 11668618 (cited by Variantyx, Inc.); PubMed 23348805 (cited by Variantyx, Inc.); PubMed 12453976 (cited by Athena Diagnostics); PubMed 31658956 (cited by Athena Diagnostics); PubMed 29493090 (cited by Athena Diagnostics).